The following is an entry in ClinVar:

NC_000005.9:g.(?_218337)_(257198_?)dup

Gene: SDHA (succinate dehydrogenase complex flavoprotein subunit A; plus strand). Cytogenetic location: 5p15.33.
Variant type: Duplication.
Identifiers: ClinVar variation 2573517 (VCV002573517.1).

ClinVar aggregate classification (germline): Uncertain significance (1 of 4 stars; one submission).

Submission:

Women's Health and Genetics/Laboratory Corporation of America, LabCorp
Classification: Uncertain significance. Last evaluated: 2023-06-06. Review status: criteria provided, single submitter. Criteria: LabCorp Variant Classification Summary - May 2015. Collection method: clinical testing. Allele origin: germline.
Comment: Variant summary: The variant identified by MLPA or other technology involves the duplication of the entire coding sequence of the SDHA gene. A presumed nomenclature of c.(?_-134)_(*663_?)dup has been designated for the purposes of this classification. It has been assumed that this is a tandem duplication in direct orientation (Richardson_GIM_2018, Newman_AJHG_2015). A variant allele involving the duplication of SDHA gene, along with other genes, was found at a frequency of 9.2e-05 in 21694 control chromosomes (gnomAD, Structural Variants dataset). The available data on variant occurrences in the general population are insufficient to allow any conclusion about variant significance. To our knowledge, no occurrence of c.(?_-134)_(*663_?)dup in individuals affected with SDHA-Related Disorders and no experimental evidence demonstrating its impact on protein function have been reported. One clinical diagnostic laboratory has submitted clinical-significance assessments for this variant to ClinVar after 2014 without evidence for independent evaluation and classified the variant as uncertain significance. Based on the evidence outlined above, the variant was classified as uncertain significance.